The following is an entry in ClinVar:

ClinVar aggregate classification (germline): Benign/Likely benign. Review status: criteria provided, multiple submitters, no conflicts (2 of 4 stars). 7 submissions from 7 submitters: Benign (5); Likely benign (2). Last evaluated 2026-02-03.

Conditions:
Inborn genetic diseases. Identifiers: MedGen C0950123, MeSH D030342.
Benign neonatal seizures. Also called: Benign familial neonatal epilepsy; Benign familial neonatal seizures; Benign neonatal familial convulsions; Convulsions benign familial neonatal dominant form; Autosomal dominant form of benign neonatal seizures. Identifiers: Orphanet 1949, MedGen C0220669, MONDO:0016027.
Seizures, benign familial neonatal, 2. Also called: KCNQ3-Related Benign Familial Neonatal Epilepsy; KCNQ3-Related Self-Limited Familial Neonatal Epilepsy (SLFNE); Benign Neonatal Epilepsy 2; Seizures, benign neonatal, 2; CONVULSIONS, BENIGN FAMILIAL NEONATAL, 2. Identifiers: Orphanet 1949, MedGen C1852581, MONDO:0007366, OMIM 121201.

Allele frequency attached by ClinVar (database versions not stated): gnomAD exomes 0.00045 and 0.00114; ESP Exome Variant Server 0.00606; ExAC 0.00232; 1000 Genomes Project 0.00479; gnomAD 0.00564 and 0.00523; TOPMed 0.00575; 1000 Genomes Project 30x 0.00468.
gnomAD v4.1: 1,447 of 1,551,784 alleles (0.093%); highest among the groups gnomAD compares: African/African-American, 1.8%; 15 homozygotes.

Submissions (7):

Labcorp Genetics (formerly Invitae), Labcorp
Classification: Benign for Benign neonatal seizures. Last evaluated: 2026-02-03. Review status: criteria provided, single submitter. Criteria: Invitae Variant Classification Sherloc (09022015). Collection method: clinical testing. Allele origin: germline.

Mayo Clinic Laboratories, Mayo Clinic
Classification: Benign. Last evaluated: 2022-01-23. Review status: criteria provided, single submitter. Criteria: ACMG Guidelines, 2015. Collection method: clinical testing. Allele origin: germline. Observed: 2 variant alleles.
Comment: BS1, BS2, BP4, BP7

Illumina Laboratory Services, Illumina
Classification: Benign for Seizures, benign familial neonatal, 2. Last evaluated: 2018-01-13. Review status: criteria provided, single submitter. Criteria: ICSL Variant Classification Criteria 13 December 2019. Collection method: clinical testing. Allele origin: germline.
Comment: This variant was observed in the ICSL laboratory as part of a predisposition screen in an ostensibly healthy population. It had not been previously curated by ICSL or reported in the Human Gene Mutation Database (HGMD: prior to June 1st, 2018), and was therefore a candidate for classification through an automated scoring system. Utilizing variant allele frequency, disease prevalence and penetrance estimates, and inheritance mode, an automated score was calculated to assess if this variant is too frequent to cause the disease. Based on the score and internal cut-off values, a variant classified as benign is not then subjected to further curation. The score for this variant resulted in a classification of benign for this disease.

Ambry Genetics
Classification: Benign for Inborn genetic diseases. Last evaluated: 2016-07-28. Review status: criteria provided, single submitter. Criteria: Ambry Variant Classification Scheme 2023. Collection method: clinical testing. Allele origin: germline.

Genetic Services Laboratory, University of Chicago
Classification: Likely benign. Last evaluated: 2015-08-06. Review status: criteria provided, single submitter. Criteria: ACMG Guidelines, 2015. Collection method: clinical testing. Allele origin: germline. Affected: no.

GeneDx
Classification: Benign. Last evaluated: 2013-04-18. Review status: criteria provided, single submitter. Criteria: GeneDx Variant Classification (06012015). Collection method: clinical testing. Allele origin: germline. Affected: yes.
Comment: This variant is considered likely benign or benign based on one or more of the following criteria: it is a conservative change, it occurs at a poorly conserved position in the protein, it is predicted to be benign by multiple in silico algorithms, and/or has population frequency not consistent with disease.

Breakthrough Genomics
Classification: Likely benign. Review status: criteria provided, single submitter. Criteria: ACMG Guidelines, 2015. Collection method: not provided. Allele origin: germline. Inheritance: Autosomal dominant inheritance. Affected: yes.

NM_004519.4(KCNQ3):c.948C>T (p.Thr316=)

Gene: KCNQ3 (potassium voltage-gated channel subfamily Q member 3; minus strand). Cytogenetic location: 8q24.22.
Variant type: single nucleotide variant.
Coding change: c.948C>T on transcript NM_004519.4 (MANE Select); coding-DNA position 948, C replaced by T.
Protein change: p.Thr316=; no amino-acid change (threonine 316 retained).
Molecular consequence: synonymous variant.
Genome position (GRCh38, 1-based): chr8:132,174,335, G>A on the plus strand (C>T on the coding strand, the complement: KCNQ3 is on the minus strand). VCF-style: chr8-132174335-G-A. GRCh37 (hg19) VCF-style: chr8-133186582-G-A.
Other names: p.T316T:ACC>ACT; p.Thr316=; c.588C>T, p.Thr196= (NM_001204824.2).
Identifiers: ClinVar variation 138040 (VCV000138040.27), dbSNP rs142144538, ClinGen allele CA291832.
Genomic context (GRCh38, chr8:132,174,335, plus strand): 5'-AAAGGTGGCGGCAATCAGACGGCCTTCCCACGTTTTGGGTGTCTTGTCTCCATAGCCAAT[G>A]GTGGCCAGTGTGATCTGAAGAGAGAAGAGTTCAGACATGGAGTACCACATGGAGAGGAAT-3'
Protein context (NP_004510.1, residues 306-326): ALWWGLITLA[Thr316=]IGYGDKTPKT